The following is an entry in ClinVar:

ClinVar aggregate classification (germline): Uncertain significance (1 of 4 stars; one submission).

Conditions:
DK1-congenital disorder of glycosylation. Also called: DOLK-congenital disorder of glycosylation; Carbohydrate deficient glycoprotein syndrome type 1m; CDG Im; DK1 DEFICIENCY; DOLICHOL KINASE DEFICIENCY; DK1-CDG. Identifiers: Orphanet 91131, MedGen C1835849, MONDO:0012556, OMIM 610768.

Submission:

Labcorp Genetics (formerly Invitae), Labcorp
Classification: Uncertain significance for DK1-congenital disorder of glycosylation. Last evaluated: 2021-02-22. Review status: criteria provided, single submitter. Criteria: Invitae Variant Classification Sherloc (09022015). Collection method: clinical testing. Allele origin: germline.
Comment: In summary, the available evidence is currently insufficient to determine the role of this variant in disease. Therefore, it has been classified as a Variant of Uncertain Significance. This variant has not been reported in the literature in individuals with DOLK-related conditions. This variant is not present in population databases (ExAC no frequency). This sequence change creates a premature translational stop signal (p.Thr364Trpfs*40) in the DOLK gene. While this is not anticipated to result in nonsense mediated decay, it is expected to disrupt the last 175 amino acid(s) of the DOLK protein.

NM_014908.4(DOLK):c.1090_1099del (p.Thr364fs)

Gene: DOLK (dolichol kinase; minus strand). Cytogenetic location: 9q34.11.
Variant type: Deletion.
Coding change: c.1090_1099del on transcript NM_014908.4 (MANE Select); coding-DNA positions 1090 to 1099, 10 bases deleted (ACTGTATGCC; older notation c.1090_1099delACTGTATGCC).
Protein change: p.Thr364fs; shifts the reading frame from threonine 364.
Molecular consequence: frameshift variant.
Genome position (GRCh38, 1-based): chr9:128,946,205-128,946,214, GGCATACAGT deleted on the plus strand (ACTGTATGCC on the coding strand, the reverse complement: DOLK is on the minus strand); deleting any 10 consecutive bases within chr9:128,946,205-128,946,217 gives the same sequence; the c. name uses the placement nearest the transcript's 3' end. VCF-style (leftmost placement, unchanged base first): chr9-128946204-AGGCATACAGT-A. GRCh37 (hg19) VCF-style: chr9-131708483-AGGCATACAGT-A.
Other names: short protein forms T364fs.
Identifiers: ClinVar variation 1512954 (VCV001512954.6), dbSNP rs2131127481, ClinGen allele CA2573143932.